The following is an entry in ClinVar:

ClinVar aggregate classification (germline): Uncertain significance (1 of 4 stars; one submission).

Submission:

GeneDx
Classification: Uncertain significance. Last evaluated: 2024-08-04. Review status: criteria provided, single submitter. Criteria: GeneDx Variant Classification Process June 2021. Collection method: clinical testing. Allele origin: germline. Affected: yes.
Comment: Not observed at significant frequency in large population cohorts (gnomAD); In silico analysis indicates that this missense variant does not alter protein structure/function; Has not been previously published as pathogenic or benign to our knowledge

NM_006258.4(PRKG1):c.154G>A (p.Val52Met)

Gene: PRKG1 (protein kinase cGMP-dependent 1; plus strand). Cytogenetic location: 10q11.23.
Variant type: single nucleotide variant.
Coding change: c.154G>A on transcript NM_006258.4 (MANE Select); coding-DNA position 154, G replaced by A.
Protein change: p.Val52Met; replaces valine 52 with methionine.
Molecular consequence: missense variant. On other transcripts: intron variant (1).
Genome position (GRCh38, 1-based): chr10:51,074,744, G>A. VCF-style: chr10-51074744-G-A. GRCh37 (hg19) VCF-style: chr10-52834504-G-A.
Other names: c.154G>A, p.Val52Met (NM_001374782.1); c.267-78420G>A (NM_001098512.3); short protein forms V52M.
Identifiers: ClinVar variation 3603124 (VCV003603124.1).